The following is an entry in ClinVar:

ClinVar aggregate classification (germline): Uncertain significance. Review status: criteria provided, multiple submitters, no conflicts (2 of 4 stars). 2 submissions from 2 submitters: Uncertain significance (2). Last evaluated 2025-02-18.

Conditions:
Cardiomyopathy (CMYO). Also called: Cardiomyopathies. Identifiers: Orphanet 167848, MedGen C0878544, MONDO:0004994, HP:0001638. Inheritance: Various modes of inheritance.
Arrhythmogenic right ventricular dysplasia 8 (ARVD8). Also called: ARRHYTHMOGENIC RIGHT VENTRICULAR DYSPLASIA, FAMILIAL, 8; ARRHYTHMOGENIC RIGHT VENTRICULAR CARDIOMYOPATHY 8; Arrhythmogenic Right Ventricular Dysplasia/Cardiomyopathy 8. Identifiers: MedGen C1843896, MONDO:0011831, OMIM 607450.
Arrhythmogenic cardiomyopathy with wooly hair and keratoderma. Also called: Dilated cardiomyopathy with woolly hair and keratoderma; PALMOPLANTAR KERATODERMA WITH LEFT VENTRICULAR CARDIOMYOPATHY AND WOOLLY HAIR; Arrhythmogenic cardiomyopathy with woolly hair and keratoderma; Carvajal syndrome. Identifiers: Orphanet 65282, MedGen C1854063, MONDO:0011581, OMIM 605676.

Submissions (2):

Color Diagnostics, LLC DBA Color Health
Classification: Uncertain significance for Cardiomyopathy. Last evaluated: 2025-02-18. Review status: criteria provided, single submitter. Criteria: ACMG Guidelines, 2015. Collection method: clinical testing. Allele origin: germline.
Comment: This variant results in the in-frame deletion of two amino acids in the conserved head domain of the DSP protein. This variant has been reported in two siblings with asymptomatic arrhythmogenic right ventricular cardiomyopathy and their father with sustained ventricular tachycardia (PMID: 23137101). Keratinocytes cultured from the father showed partially reduced expression of the DSP protein (PMID: 23137101). This variant has not been identified in the general population by the Genome Aggregation Database (gnomAD). The available evidence is insufficient to determine the role of this variant in disease conclusively. Therefore, this variant is classified as a Variant of Uncertain Significance.

Labcorp Genetics (formerly Invitae), Labcorp
Classification: Uncertain significance for Arrhythmogenic cardiomyopathy with wooly hair and keratoderma; Arrhythmogenic right ventricular dysplasia 8. Last evaluated: 2022-04-22. Review status: criteria provided, single submitter. Criteria: Invitae Variant Classification Sherloc (09022015). Collection method: clinical testing. Allele origin: germline.
Comment: This variant, c.969_974del, results in the deletion of 2 amino acid(s) of the DSP protein (p.Lys324_Glu325del), but otherwise preserves the integrity of the reading frame. This variant is not present in population databases (gnomAD no frequency). This variant has been observed in individual(s) with arrhythmogenic right ventricular cardiomyopathy (PMID: 23137101). It has also been observed to segregate with disease in related individuals. Studies have shown that this variant alters DSP gene expression (PMID: 23137101). In summary, the available evidence is currently insufficient to determine the role of this variant in disease. Therefore, it has been classified as a Variant of Uncertain Significance.

Literature cited by the submitters: PubMed 23137101 (cited by Color Diagnostics, LLC DBA Color Health and Labcorp Genetics (formerly Invitae), Labcorp).

NM_004415.4(DSP):c.969_974del (p.322KE[1])

Gene: DSP (desmoplakin; plus strand). Cytogenetic location: 6p24.3.
Variant type: Deletion.
Coding change: c.969_974del on transcript NM_004415.4 (MANE Select); coding-DNA positions 969 to 974, 6 bases deleted (AAAAGA; older notation c.969_974delAAAAGA).
Protein change: p.322KE[1].
Molecular consequence: inframe deletion. On other transcripts: inframe indel (1).
Genome position (GRCh38, 1-based): chr6:7,566,406-7,566,411, AAAAGA deleted; deleting any 6 consecutive bases within chr6:7,566,401-7,566,411 gives the same sequence; the c. name uses the placement nearest the transcript's 3' end. VCF-style (leftmost placement, unchanged base first): chr6-7566400-TAAAGAA-T. GRCh37 (hg19) VCF-style: chr6-7566633-TAAAGAA-T.
Other names: c.969_974del, p.322KE[1] (NM_001008844.3, NM_001319034.2); c.969_974delAAAAGA, p.Lys324_Glu325del (NM_001406591.1).
Identifiers: ClinVar variation 2136362 (VCV002136362.5), dbSNP rs2533876222, ClinGen allele CA2580075357.
Genomic context (GRCh38, chr6:7,566,400, plus strand): 5'-ACTTGCTGCAAAGGATTTCTTATTTCTTCATTCACAGATACGCATGAGTCAACTGGAAGT[TAAAGAA>T]AAAGAGCTCAATAAGCTGAAACAAGAAAGTGACCAACTTGTCCTCAATCAGCATCCAGCT-3'